The following is an entry in ClinVar:

NM_031892.3(SH3KBP1):c.691A>G (p.Ile231Val)

Gene: SH3KBP1 (SH3 domain containing kinase binding protein 1; minus strand). Cytogenetic location: Xp22.12.
Variant type: single nucleotide variant.
Coding change: c.691A>G on transcript NM_031892.3 (MANE Select); coding-DNA position 691, A replaced by G.
Protein change: p.Ile231Val; replaces isoleucine 231 with valine.
Molecular consequence: missense variant.
Genome position (GRCh38, 1-based): chrX:19,683,858, T>C on the plus strand (A>G on the coding strand, the complement: SH3KBP1 is on the minus strand). VCF-style: chrX-19683858-T-C. GRCh37 (hg19) VCF-style: chrX-19701976-T-C.
Other names: c.646A>G, p.Ile216Val (NM_001353895.2); c.823A>G, p.Ile275Val (NM_001410756.1, NM_001410757.1); c.514A>G, p.Ile172Val (NM_001410758.1); c.580A>G, p.Ile194Val (NM_001024666.3); c.691A>G, p.Ile231Val (NM_001353890.2); c.766A>G, p.Ile256Val (NM_001353891.2, NM_001353892.2); c.589A>G, p.Ile197Val (NM_001353893.2, NM_001353894.2); short protein forms I197V, I231V, I194V, I216V, I256V, I172V, I275V.
Identifiers: ClinVar variation 3010394 (VCV003010394.3), dbSNP rs1569417218, ClinGen allele CA412497577.

ClinVar aggregate classification (germline): Uncertain significance (1 of 4 stars; one submission).

Submission:

Labcorp Genetics (formerly Invitae), Labcorp
Classification: Uncertain significance. Last evaluated: 2023-10-03. Review status: criteria provided, single submitter. Criteria: Invitae Variant Classification Sherloc (09022015). Collection method: clinical testing. Allele origin: germline.
Comment: This sequence change replaces isoleucine, which is neutral and non-polar, with valine, which is neutral and non-polar, at codon 231 of the SH3KBP1 protein (p.Ile231Val). This variant is not present in population databases (gnomAD no frequency). This variant has not been reported in the literature in individuals affected with SH3KBP1-related conditions. Advanced modeling of protein sequence and biophysical properties (such as structural, functional, and spatial information, amino acid conservation, physicochemical variation, residue mobility, and thermodynamic stability) performed at Invitae indicates that this missense variant is not expected to disrupt SH3KBP1 protein function. Algorithms developed to predict the effect of sequence changes on RNA splicing suggest that this variant may create or strengthen a splice site. In summary, the available evidence is currently insufficient to determine the role of this variant in disease. Therefore, it has been classified as a Variant of Uncertain Significance.